The following is an entry in ClinVar:

NM_000069.3(CACNA1S):c.2812C>T (p.Leu938=)

Gene: CACNA1S (calcium voltage-gated channel subunit alpha1 S; minus strand). Cytogenetic location: 1q32.1.
Variant type: single nucleotide variant.
Coding change: c.2812C>T on transcript NM_000069.3 (MANE Select); coding-DNA position 2812, C replaced by T.
Protein change: p.Leu938=; no amino-acid change (leucine 938 retained).
Molecular consequence: synonymous variant.
Genome position (GRCh38, 1-based): chr1:201,065,879, G>A on the plus strand (C>T on the coding strand, the complement: CACNA1S is on the minus strand). VCF-style: chr1-201065879-G-A. GRCh37 (hg19) VCF-style: chr1-201035007-G-A.
Other names: c.2812C>T (NM_000069.2).
Identifiers: ClinVar variation 2937450 (VCV002937450.4), dbSNP rs751604761, ClinGen allele CA079303.

ClinVar aggregate classification (germline): Conflicting classifications of pathogenicity. Review status: criteria provided, conflicting classifications (1 of 4 stars). 2 submissions from 2 submitters: Uncertain significance (1); Likely benign (1). Last evaluated 2024-12-27.

Conditions:
Malignant hyperthermia, susceptibility to, 5 (MHS5). Also called: CACNA1S-Related Malignant Hyperthermia Susceptibility. Identifiers: Orphanet 423, MedGen C1866077, MONDO:0011163, OMIM 601887.
Hypokalemic periodic paralysis, type 1. Also called: HypoPP; Hypokalemic Periodic Paralysis Type 1 (AD). Identifiers: Orphanet 681, MedGen C3714580, MONDO:0042979, OMIM 170400.

Allele frequency attached by ClinVar (database versions not stated): TOPMed below 0.00001; ExAC 0.00001.

Submissions (2):

GeneDx
Classification: Uncertain significance. Last evaluated: 2024-12-27. Review status: criteria provided, single submitter. Criteria: GeneDx Variant Classification Process June 2021. Collection method: clinical testing. Allele origin: germline. Affected: yes.
Comment: Not observed at significant frequency in large population cohorts (gnomAD); In silico analysis indicates that this variant does not alter splicing; Has not been previously published as pathogenic or benign to our knowledge

Labcorp Genetics (formerly Invitae), Labcorp
Classification: Likely benign for Hypokalemic periodic paralysis, type 1; Malignant hyperthermia, susceptibility to, 5. Last evaluated: 2022-11-16. Review status: criteria provided, single submitter. Criteria: Invitae Variant Classification Sherloc (09022015). Collection method: clinical testing. Allele origin: germline.